The following is an entry in ClinVar:

NM_022140.5(EPB41L4A):c.958C>T (p.Arg320Cys)

Genes: EPB41L4A (erythrocyte membrane protein band 4.1 like 4A; minus strand), EPB41L4A-AS3 (EPB41L4A antisense RNA 3; plus strand). Cytogenetic location: 5q22.2.
Variant type: single nucleotide variant.
Coding change: c.958C>T on transcript NM_022140.5 (MANE Select); coding-DNA position 958, C replaced by T.
Protein change: p.Arg320Cys; replaces arginine 320 with cysteine.
Molecular consequence: missense variant. On other transcripts: non-coding transcript variant (1).
Genome position (GRCh38, 1-based): chr5:112,239,667, G>A on the plus strand (C>T on the coding strand, the complement: EPB41L4A is on the minus strand). VCF-style: chr5-112239667-G-A. GRCh37 (hg19) VCF-style: chr5-111575364-G-A.
Other names: c.958C>T, p.Arg320Cys (NM_001347887.2); short protein forms R320C.
Identifiers: ClinVar variation 3770548 (VCV003770548.13).

ClinVar aggregate classification (germline): Likely benign (1 of 4 stars; one submission).

gnomAD v4.1: 587 of 1,597,450 alleles (0.037%); highest among the groups gnomAD compares: South Asian, 0.57%; 3 homozygotes.

Submission:

CeGaT Center for Human Genetics Tuebingen
Classification: Likely benign. Last evaluated: 2024-12-01. Review status: criteria provided, single submitter. Criteria: CeGaT Center For Human Genetics Tuebingen Variant Classification Criteria Version 2. Collection method: clinical testing. Allele origin: germline. Affected: yes. Observed: 1 variant allele.
Comment: EPB41L4A: BS2